The following is an entry in ClinVar:

NM_020800.3(IFT80):c.1389_1397del (p.Leu464_Ile466del)

Genes: IFT80 (intraflagellar transport 80; minus strand), TRIM59-IFT80 (TRIM59-IFT80 readthrough (NMD candidate); minus strand). Cytogenetic location: 3q25.33.
Variant type: Deletion.
Coding change: c.1389_1397del on transcript NM_020800.3 (MANE Select); coding-DNA positions 1389 to 1397, 9 bases deleted (CTTGGAAAT; older notation c.1389_1397delCTTGGAAAT).
Protein change: p.Leu464_Ile466del.
Molecular consequence: inframe deletion. On other transcripts: non-coding transcript variant (3).
Genome position (GRCh38, 1-based): chr3:160,282,597-160,282,605, ATTTCCAAG deleted on the plus strand (CTTGGAAAT on the coding strand, the reverse complement: IFT80 is on the minus strand); deleting any 9 consecutive bases within chr3:160,282,597-160,282,610 gives the same sequence; the c. name uses the placement nearest the transcript's 3' end. VCF-style (leftmost placement, unchanged base first): chr3-160282596-AATTTCCAAG-A. GRCh37 (hg19) VCF-style: chr3-160000384-AATTTCCAAG-A.
Other names: c.978_986del, p.Leu327_Ile329del (NM_001190241.2, NM_001190242.2).
Identifiers: ClinVar variation 1484153 (VCV001484153.3), dbSNP rs752515612, ClinGen allele CA2685154.

ClinVar aggregate classification (germline): Uncertain significance (1 of 4 stars; one submission).

Conditions:
Jeune thoracic dystrophy. Also called: Jeune syndrome; Infantile thoracic dystrophy; Thoracic pelvic phalangeal dystrophy; Jeune's syndrome; Chondroectodermal dysplasia-like syndrome; Short-rib thoracic dysplasia. Identifiers: Orphanet 474, MedGen C0265275, MONDO:0018770.

Submission:

Labcorp Genetics (formerly Invitae), Labcorp
Classification: Uncertain significance for Jeune thoracic dystrophy. Last evaluated: 2022-07-05. Review status: criteria provided, single submitter. Criteria: Invitae Variant Classification Sherloc (09022015). Collection method: clinical testing. Allele origin: germline.
Comment: This variant, c.1389_1397del, results in the deletion of 3 amino acid(s) of the IFT80 protein (p.Leu464_Ile466del), but otherwise preserves the integrity of the reading frame. This variant is not present in population databases (gnomAD no frequency). This variant has not been reported in the literature in individuals affected with IFT80-related conditions. ClinVar contains an entry for this variant (Variation ID: 1484153). Experimental studies and prediction algorithms are not available or were not evaluated, and the functional significance of this variant is currently unknown. In summary, the available evidence is currently insufficient to determine the role of this variant in disease. Therefore, it has been classified as a Variant of Uncertain Significance.